The following is an entry in ClinVar:

NM_152564.5(VPS13B):c.11221A>G (p.Ile3741Val)

Gene: VPS13B (vacuolar protein sorting 13 homolog B; plus strand). Cytogenetic location: 8q22.2.
Variant type: single nucleotide variant.
Coding change: c.11221A>G on transcript NM_152564.5 (MANE Select); coding-DNA position 11221, A replaced by G.
Protein change: p.Ile3741Val; replaces isoleucine 3741 with valine.
Molecular consequence: missense variant.
Genome position (GRCh38, 1-based): chr8:99,868,294, A>G. VCF-style: chr8-99868294-A-G. GRCh37 (hg19) VCF-style: chr8-100880522-A-G.
Other names: c.11296A>G, p.Ile3766Val (NM_017890.5); short protein forms I3741V, I3766V.
Identifiers: ClinVar variation 2095011 (VCV002095011.3), dbSNP rs1292129523, ClinGen allele CA371791713.

ClinVar aggregate classification (germline): Uncertain significance (1 of 4 stars; one submission).

Conditions:
Cohen syndrome (COH1). Also called: Cutis verticis gyrata, retinitis pigmentosa, and sensorineural deafness; PEPPER SYNDROME. Identifiers: Orphanet 193, MedGen C0265223, MONDO:0008999, OMIM 216550.

gnomAD v4.1: 5 of 1,614,108 alleles (0.00031%); highest among the groups gnomAD compares: Non-Finnish European, 0.00042%; no homozygotes.

Submission:

Labcorp Genetics (formerly Invitae), Labcorp
Classification: Uncertain significance for Cohen syndrome. Last evaluated: 2022-02-08. Review status: criteria provided, single submitter. Criteria: Invitae Variant Classification Sherloc (09022015). Collection method: clinical testing. Allele origin: germline.
Comment: This variant is not present in population databases (gnomAD no frequency). This variant has not been reported in the literature in individuals affected with VPS13B-related conditions. This sequence change replaces isoleucine, which is neutral and non-polar, with valine, which is neutral and non-polar, at codon 3766 of the VPS13B protein (p.Ile3766Val). In summary, the available evidence is currently insufficient to determine the role of this variant in disease. Therefore, it has been classified as a Variant of Uncertain Significance. Algorithms developed to predict the effect of sequence changes on RNA splicing suggest that this variant may create or strengthen a splice site. Algorithms developed to predict the effect of missense changes on protein structure and function are either unavailable or do not agree on the potential impact of this missense change (SIFT: "Not Available"; PolyPhen-2: "Benign"; Align-GVGD: "Not Available").